The following is an entry in ClinVar:

ClinVar aggregate classification (germline): Uncertain significance (1 of 4 stars; one submission).

Submission:

GeneDx
Classification: Uncertain significance. Last evaluated: 2019-04-04. Review status: criteria provided, single submitter. Criteria: GeneDx Variant Classification Process June 2021. Collection method: clinical testing. Allele origin: germline. Affected: yes.
Comment: Has not been previously published as pathogenic or benign to our knowledge; Not observed in large population cohorts (Lek et al., 2016); In silico analysis, which includes protein predictors and evolutionary conservation, supports a deleterious effect; Does not affect a cysteine residue within a calcium-binding EGF-like domain of the FBN1 gene; cysteine substitutions in the calcium-binding EGF-like domains represent the majority of pathogenic missense changes associated with FBN1 related disorders (Collod-Beroud et al., 2003)

NM_000138.5(FBN1):c.8177G>T (p.Arg2726Leu)

Gene: FBN1 (fibrillin 1; minus strand). Cytogenetic location: 15q21.1.
Variant type: single nucleotide variant.
Coding change: c.8177G>T on transcript NM_000138.5 (MANE Select); coding-DNA position 8177, G replaced by T.
Protein change: p.Arg2726Leu; replaces arginine 2726 with leucine.
Molecular consequence: missense variant.
Genome position (GRCh38, 1-based): chr15:48,412,618, C>A on the plus strand (G>T on the coding strand, the complement: FBN1 is on the minus strand). VCF-style: chr15-48412618-C-A. GRCh37 (hg19) VCF-style: chr15-48704815-C-A.
Other names: short protein forms R2726L.
Identifiers: ClinVar variation 1302362 (VCV001302362.2), dbSNP rs552157433, ClinGen allele CA392320870.
Genomic context (GRCh38, chr15:48,412,618, plus strand): 5'-TTCTGACCCACCTCGATATTGGAGGCATCAGTTTCGTTTGTGCTTCTCCGTTTCCTGCCC[C>A]GTTTGGGGTAGCCATTGATCTTACACTCGTAACAAGCCTCTGGGGAGAGTGAATTGTCAT-3'
Protein context (NP_000129.3, residues 2716-2736): YECKINGYPK[Arg2726Leu]GRKRRSTNET